The following is an entry in ClinVar:

NM_032539.5(SLITRK2):c.1552C>G (p.Leu518Val)

Gene: SLITRK2 (SLIT and NTRK like family member 2; plus strand). Cytogenetic location: Xq27.3.
Variant type: single nucleotide variant.
Coding change: c.1552C>G on transcript NM_032539.5 (MANE Select); coding-DNA position 1552, C replaced by G.
Protein change: p.Leu518Val; replaces leucine 518 with valine.
Molecular consequence: missense variant.
Genome position (GRCh38, 1-based): chrX:145,823,977, C>G. VCF-style: chrX-145823977-C-G. GRCh37 (hg19) VCF-style: chrX-144905495-C-G.
Other names: c.1552C>G, p.Leu518Val (NM_001144003.3, NM_001144004.3, NM_001144005.3 and 4 more transcripts); short protein forms L518V.
Identifiers: ClinVar variation 5040017 (VCV005040017.1).
Genomic context (GRCh38, chrX:145,823,977, plus strand): 5'-AGGCTGAATCTGAGAAACAACCATTTTTCTCACCTGCCCGTGAAAGGGGTTCTGGATCAG[C>G]TCCCGGCTTTCATCCAGATAGATCTGCAGGAGAACCCCTGGGACTGTACCTGTGACATCA-3'
Protein context (NP_115928.1, residues 508-528): HLPVKGVLDQ[Leu518Val]PAFIQIDLQE

ClinVar aggregate classification (germline): Uncertain significance (1 of 4 stars; one submission).

gnomAD v4.1: 5 of 1,208,852 alleles (0.00041%); highest among the groups gnomAD compares: Non-Finnish European, 0.00056%; no homozygotes.

Submission:

CeGaT Center for Human Genetics Tuebingen
Classification: Uncertain significance. Last evaluated: 2026-07-01. Review status: criteria provided, single submitter. Criteria: CeGaT Center For Human Genetics Tuebingen Variant Classification Criteria Version 2. Collection method: clinical testing. Allele origin: germline. Affected: yes. Observed: 1 variant allele.
Comment: SLITRK2: PM2